The following is an entry in ClinVar:

NM_000169.3(GLA):c.774_775del (p.Pro259fs)

Genes: GLA (galactosidase alpha; minus strand), RPL36A-HNRNPH2 (RPL36A-HNRNPH2 readthrough; plus strand). Cytogenetic location: Xq22.1.
Variant type: Deletion.
Coding change: c.774_775del on transcript NM_000169.3 (MANE Select); coding-DNA positions 774 to 775, 2 bases deleted (AC; older notation c.774_775delAC).
Protein change: p.Pro259fs; shifts the reading frame from proline 259.
Molecular consequence: frameshift variant. On other transcripts: non-coding transcript variant (3), intron variant (2).
Genome position (GRCh38, 1-based): chrX:101,398,811-101,398,812, GT deleted on the plus strand (AC on the coding strand, the reverse complement: GLA is on the minus strand). VCF-style (leftmost placement, unchanged base first): chrX-101398810-GGT-G. GRCh37 (hg19) VCF-style: chrX-100653798-GGT-G.
Other names: c.774_775delAC, p.Pro259Argfs (NM_000169.2); c.897_898del, p.Pro300fs (NM_001406747.1); c.774_775del, p.Pro259fs (NM_001406748.1); c.300+3354_300+3355del (NM_001199973.2); c.177+6989_177+6990del (NM_001199974.2); short protein forms P259fs, P300fs.
Identifiers: ClinVar variation 10751 (VCV000010751.2), dbSNP rs869312398, ClinGen allele CA352980.
Genomic context (GRCh38, chrX:101,398,810, plus strand): 5'-GCAGGGTCTTGAACAAGGAGGGCTCAAGTTTTTACCATATCTGGGTCATTCCAACCCCCT[GGT>G]CCAGCAACATCAACAATTCTCTCCTGGTTAAAAGATGTCCAGTCCAAGATACTCTTTATA-3'

ClinVar aggregate classification (germline): Pathogenic. Review status: criteria provided, single submitter (1 of 4 stars). 2 submissions from 2 submitters: Pathogenic (1). 1 of the submissions does not count toward it. Last evaluated 2026-09-08.

Conditions:
Fabry disease. Also called: Ceramide trihexosidosis; Fabry's disease; ALPHA-GALACTOSIDASE A DEFICIENCY; ANDERSON-FABRY DISEASE; CERAMIDE TRIHEXOSIDASE DEFICIENCY; GLA DEFICIENCY. Identifiers: Orphanet 324, MedGen C0002986, MONDO:0010526, OMIM 301500, HP:0001071. Disease mechanism: Fabry disease is due to inactivating mutations in the X-linked GLA gene resulting in deficiency of the enzyme Alpha Galactosidase-A., loss of function.

Submissions (2):

Genomenon, Inc
Classification: Pathogenic for Fabry disease. Last evaluated: 2026-09-08. Review status: criteria provided, single submitter. Criteria: Genomenon Sequence Variant Interpretation Standards - Updated. Collection method: curation. Allele origin: germline. Affected: yes.
Comment: GLA p.Pro259ArgfsTer5 (c.774_775del) is a frameshift variant that is predicted to introduce a premature termination codon and result in a truncated or absent protein product. This variant has been observed in at least one proband with clinical features consistent with Fabry disease (PMID:10916280;20022777). It is absent or not present at a significant frequency in gnomAD. In conclusion, we classify GLA p.Pro259ArgfsTer5 (c.774_775del) as a pathogenic variant.

OMIM
Classification: Pathogenic for FABRY DISEASE. Last evaluated: 1993-12-01. Review status: no assertion criteria provided. Collection method: literature only. Allele origin: germline. Not counted in ClinVar's aggregate classification.

Literature cited by the submitters: PubMed 10916280 (cited by Genomenon, Inc); PubMed 20022777 (cited by Genomenon, Inc); PubMed 7504405 (cited by OMIM).